The following is an entry in ClinVar:

ClinVar aggregate classification (germline): Benign. Review status: criteria provided, multiple submitters, no conflicts (2 of 4 stars). 2 submissions from 2 submitters: Benign (2). Last evaluated 2018-06-18.

Allele frequency attached by ClinVar (database versions not stated): TOPMed 0.75768; 1000 Genomes Project 30x 0.75937; 1000 Genomes Project 0.76478; gnomAD 0.77343.
gnomAD v4.1: 118,639 of 152,126 alleles (78%); highest among the groups gnomAD compares: Non-Finnish European, 87%; 47,565 homozygotes.

Submissions (2):

GeneDx
Classification: Benign. Last evaluated: 2018-06-18. Review status: criteria provided, single submitter. Criteria: GeneDx Variant Classification (06012015). Collection method: clinical testing. Allele origin: germline. Affected: yes.
Comment: This variant is considered likely benign or benign based on one or more of the following criteria: it is a conservative change, it occurs at a poorly conserved position in the protein, it is predicted to be benign by multiple in silico algorithms, and/or has population frequency not consistent with disease.

Breakthrough Genomics
Classification: Benign. Review status: criteria provided, single submitter. Criteria: ACMG Guidelines, 2015. Collection method: not provided. Allele origin: germline. Inheritance: Autosomal dominant inheritance. Affected: yes.

NM_152594.3(SPRED1):c.377-319T>C

Gene: SPRED1 (sprouty related EVH1 domain containing 1; plus strand). Cytogenetic location: 15q14.
Variant type: single nucleotide variant.
Coding change: c.377-319T>C on transcript NM_152594.3 (MANE Select); 319 bases into the intron before coding-DNA position 377, T replaced by C.
Molecular consequence: intron variant.
Genome position (GRCh38, 1-based): chr15:38,324,444, T>C. VCF-style: chr15-38324444-T-C. GRCh37 (hg19) VCF-style: chr15-38616645-T-C.
Identifiers: ClinVar variation 561831 (VCV000561831.2), dbSNP rs1916153, ClinGen allele CA15849855.
Genomic context (GRCh38, chr15:38,324,444, plus strand): 5'-TTCCTGGGTCAAAGCATTTAGAAAAATTGAATAAATCACATCTTAGCATCACCAGAGCAA[T>C]GTAATTATAATCTGCCTAGTAATTTTGAGTATTTGGGAGAAACTAGGGGCAGGGGTAGCT-3'